The following is an entry in ClinVar:

NM_004287.5(GOSR2):c.460_461dup (p.Gln154fs)

Genes: GOSR2 (golgi SNAP receptor complex member 2; plus strand), LRRC37A2 (leucine rich repeat containing 37 member A2). Cytogenetic location: 17q21.32.
Variant type: Duplication.
Coding change: c.460_461dup on transcript NM_004287.5 (MANE Select); coding-DNA positions 460 to 461, 2 bases duplicated (CA; older notation c.460_461dupCA).
Protein change: p.Gln154fs; shifts the reading frame from glutamine 154.
Molecular consequence: frameshift variant. On other transcripts: intron variant (4), non-coding transcript variant (1).
Genome position (GRCh38, 1-based): chr17:46,935,152-46,935,153, CA duplicated. VCF-style (leftmost placement, unchanged base first): chr17-46935151-C-CCA. GRCh37 (hg19) VCF-style: chr17-45012517-C-CCA.
Other names: c.333+2953_333+2954dup (NM_001353115.2, NM_001353116.2); c.460_461dup, p.Gln154fs (NM_001012511.3, NM_001321133.2, NM_054022.4); c.457_458dup, p.Gln153fs (NM_001353114.2); c.406_407dup, p.Gln136fs (NM_001363851.2); c.282+2953_282+2954dup (NM_001321134.2); c.336+2953_336+2954dup (NM_001330252.2); short protein forms Q136fs, Q153fs, Q154fs.
Identifiers: ClinVar variation 2126481 (VCV002126481.4), dbSNP rs2546296290, ClinGen allele CA2580094032.
Genomic context (GRCh38, chr17:46,935,151, plus strand): 5'-TCACAACGGCATGGATGACCTCATTTTAGATGGGCACAATATTTTAGATGGACTGAGGAC[C>CCA]CAGAGACTGACCTTGAAGGTGGGGTCCCTGCTGGGGGACAGAGAGAAGGCCTCTTGTTTT-3'

ClinVar aggregate classification (germline): Uncertain significance (1 of 4 stars; one submission).

Conditions:
Progressive myoclonic epilepsy. Also called: Familial progressive myoclonic epilepsy; Myoclonus epilepsy; Progressive myoclonus epilepsy; Myoclonic Epilepsies, Progressive. Identifiers: Orphanet 308, Orphanet 98261, MedGen C0751778, MONDO:0020074.

Submission:

Labcorp Genetics (formerly Invitae), Labcorp
Classification: Uncertain significance for Progressive myoclonic epilepsy. Last evaluated: 2022-05-04. Review status: criteria provided, single submitter. Criteria: Invitae Variant Classification Sherloc (09022015). Collection method: clinical testing. Allele origin: germline.
Comment: In summary, the available evidence is currently insufficient to determine the role of this variant in disease. Therefore, it has been classified as a Variant of Uncertain Significance. This variant disrupts a region of the GOSR2 protein in which other variant(s) (p.Lys164del) have been observed in individuals with GOSR2-related conditions (PMID: 30363482). This suggests that this is a clinically significant region of the protein, and that variants that disrupt it are likely to be disease-causing. Experimental studies and prediction algorithms are not available or were not evaluated, and the functional significance of this variant is currently unknown. This variant has not been reported in the literature in individuals affected with GOSR2-related conditions. This variant is not present in population databases (gnomAD no frequency). This sequence change creates a premature translational stop signal (p.Gln154Hisfs*4) in the GOSR2 gene. While this is not anticipated to result in nonsense mediated decay, it is expected to disrupt the last 59 amino acid(s) of the GOSR2 protein.

Literature cited by the submitters: PubMed 30363482.